The following is an entry in ClinVar:

NM_032242.4(PLXNA1):c.2064C>T (p.His688=)

Gene: PLXNA1 (plexin A1; plus strand). Cytogenetic location: 3q21.3.
Variant type: single nucleotide variant.
Coding change: c.2064C>T on transcript NM_032242.4 (MANE Select); coding-DNA position 2064, C replaced by T.
Protein change: p.His688=; no amino-acid change (histidine 688 retained).
Molecular consequence: synonymous variant.
Genome position (GRCh38, 1-based): chr3:127,007,865, C>T. VCF-style: chr3-127007865-C-T. GRCh37 (hg19) VCF-style: chr3-126726708-C-T.
Identifiers: ClinVar variation 3354813 (VCV003354813.3).

ClinVar aggregate classification (germline): Likely benign. Review status: criteria provided, single submitter (1 of 4 stars). 2 submissions from 2 submitters: Likely benign (1). 1 of the submissions does not count toward it. Last evaluated 2025-07-15.

Conditions:
PLXNA1-related disorder. Also called: PLXNA1-related condition.

gnomAD v4.1: 10 of 1,612,644 alleles (0.00062%); highest among the groups gnomAD compares: African/African-American, 0.0013%; no homozygotes.

Submissions (2):

Labcorp Genetics (formerly Invitae), Labcorp
Classification: Likely benign. Last evaluated: 2025-07-15. Review status: criteria provided, single submitter. Criteria: Invitae Variant Classification Sherloc (09022015). Collection method: clinical testing. Allele origin: germline.

PreventionGenetics, part of Exact Sciences
Classification: Likely benign for PLXNA1-related condition. Last evaluated: 2024-06-19. Review status: no assertion criteria provided. Collection method: clinical testing. Allele origin: germline. Not counted in ClinVar's aggregate classification.
Comment: This variant is classified as likely benign based on ACMG/AMP sequence variant interpretation guidelines (Richards et al. 2015 PMID: 25741868, with internal and published modifications).